The following is an entry in ClinVar:

ClinVar aggregate classification (germline): Likely pathogenic. Review status: criteria provided, multiple submitters, no conflicts (2 of 4 stars). 2 submissions from 2 submitters: Likely pathogenic (2). Last evaluated 2024-01-06.

Conditions:
Primary ciliary dyskinesia 3. Identifiers: Orphanet 244, MedGen C1837618, MONDO:0012085, OMIM 608644.
Primary ciliary dyskinesia. Also called: Ciliary dyskinesia. Identifiers: Orphanet 244, MedGen C0008780, MONDO:0016575, HP:0012265.

Submissions (2):

Fulgent Genetics
Classification: Likely pathogenic for Primary ciliary dyskinesia 3. Last evaluated: 2024-01-06. Review status: criteria provided, single submitter. Criteria: ACMG Guidelines, 2015. Collection method: clinical testing. Allele origin: germline.

Labcorp Genetics (formerly Invitae), Labcorp
Classification: Likely pathogenic for Primary ciliary dyskinesia. Last evaluated: 2022-05-13. Review status: criteria provided, single submitter. Criteria: Invitae Variant Classification Sherloc (09022015). Collection method: clinical testing. Allele origin: germline.
Comment: In summary, the currently available evidence indicates that the variant is pathogenic, but additional data are needed to prove that conclusively. Therefore, this variant has been classified as Likely Pathogenic. Algorithms developed to predict the effect of sequence changes on RNA splicing suggest that this variant may disrupt the consensus splice site. This variant has not been reported in the literature in individuals affected with DNAH5-related conditions. This variant is not present in population databases (gnomAD no frequency). This sequence change affects a donor splice site in intron 17 of the DNAH5 gene. It is expected to disrupt RNA splicing. Variants that disrupt the donor or acceptor splice site typically lead to a loss of protein function (PMID: 16199547), and loss-of-function variants in DNAH5 are known to be pathogenic (PMID: 11788826, 16627867).

Literature cited by the submitters: PubMed 16199547 (cited by Labcorp Genetics (formerly Invitae), Labcorp); PubMed 11788826 (cited by Labcorp Genetics (formerly Invitae), Labcorp); PubMed 16627867 (cited by Labcorp Genetics (formerly Invitae), Labcorp).

NM_001369.3(DNAH5):c.2577+1G>A

Genes: DNAH5 (dynein axonemal heavy chain 5; minus strand), DNAH5-AS1 (DNAH5 antisense RNA 1; plus strand). Cytogenetic location: 5p15.2.
Variant type: single nucleotide variant.
Coding change: c.2577+1G>A on transcript NM_001369.3 (MANE Select); the canonical splice donor site of the intron after coding-DNA position 2577, G replaced by A.
Molecular consequence: splice donor variant.
Genome position (GRCh38, 1-based): chr5:13,890,975, C>T on the plus strand (G>A on the coding strand, the complement: DNAH5 is on the minus strand). VCF-style: chr5-13890975-C-T. GRCh37 (hg19) VCF-style: chr5-13891084-C-T.
Identifiers: ClinVar variation 2153494 (VCV002153494.6), dbSNP rs867422125, ClinGen allele CA359198834.